The following is an entry in ClinVar:

NM_006734.4(HIVEP2):c.868G>T (p.Glu290Ter)

Gene: HIVEP2 (HIVEP zinc finger 2; minus strand). Cytogenetic location: 6q24.2.
Variant type: single nucleotide variant.
Coding change: c.868G>T on transcript NM_006734.4 (MANE Select); coding-DNA position 868, G replaced by T.
Protein change: p.Glu290Ter; replaces glutamic acid 290 with a stop codon.
Molecular consequence: nonsense.
Genome position (GRCh38, 1-based): chr6:142,773,871, C>A on the plus strand (G>T on the coding strand, the complement: HIVEP2 is on the minus strand). VCF-style: chr6-142773871-C-A. GRCh37 (hg19) VCF-style: chr6-143095008-C-A.
Other names: short protein forms E290*.
Identifiers: ClinVar variation 2626990 (VCV002626990.1), dbSNP rs1775623278, ClinGen allele CA365915083.

ClinVar aggregate classification (germline): Pathogenic (1 of 4 stars; one submission).

Conditions:
Intellectual developmental disorder, autosomal dominant 43. Also called: Intellectual disability, autosomal dominant 43. Identifiers: MedGen C4707429, MONDO:0014858, OMIM 616977.

Submission:

Greenwood Genetic Center Diagnostic Laboratories, Greenwood Genetic Center
Classification: Pathogenic for Intellectual developmental disorder, autosomal dominant 43. Last evaluated: 2023-07-19. Review status: criteria provided, single submitter. Criteria: ACMG Guidelines, 2015. Collection method: clinical testing. Allele origin: germline. Affected: yes.
Comment: PVS1, PS2, PM2